The following is an entry in ClinVar:

ClinVar aggregate classification (germline): Benign. Review status: criteria provided, multiple submitters, no conflicts (2 of 4 stars). 17 submissions from 15 submitters: Benign (13). 4 of the submissions do not count toward it. Last evaluated 2026-02-04.

Conditions:
SDHA-related disorder. Also called: SDHA-related disorders; SDHA-related condition.
Hereditary cancer-predisposing syndrome. Also called: Tumor predisposition; Hereditary neoplastic syndrome; Neoplastic Syndromes, Hereditary; Hereditary Cancer Syndrome. Identifiers: Orphanet 140162, MedGen C0027672, MeSH D009386, MONDO:0015356.
Hereditary pheochromocytoma and paraganglioma. Also called: Hereditary Paraganglioma-Pheochromocytoma Syndromes; Hereditary paragangliomas and pheochromocytomas; Hereditary pheochromocytoma-paraganglioma. Identifiers: Orphanet 29072, MedGen C4274332, MONDO:0017366.
Pheochromocytoma/paraganglioma syndrome 5. Also called: SDHA-Related Hereditary Paraganglioma-Pheochromocytoma Syndrome; Paragangliomas 5. Identifiers: Orphanet 29072, MedGen C3279992, MONDO:0013602, OMIM 614165.
Leigh syndrome (NULS). Also called: Leigh Disease; Subacute necrotizing encephalopathy; Necrotizing encephalopathy infantile subacute of Leigh; Leigh's necrotizing encephalopathy; Leigh's disease; Leigh Syndrome (mtDNA deletion). Identifiers: Orphanet 506, MedGen C2931891, MONDO:0009723, OMIM 256000.
Mitochondrial complex II deficiency, nuclear type 1. Also called: SUCCINATE CoQ REDUCTASE DEFICIENCY. Identifiers: Orphanet 3208, MedGen C5700310, MONDO:0100294, OMIM 252011.

Allele frequency attached by ClinVar (database versions not stated): gnomAD exomes 0.15668 and 0.21214; ExAC 0.17160; gnomAD 0.25356 and 0.26598; 1000 Genomes Project 30x 0.26218; TOPMed 0.26441; ESP Exome Variant Server 0.27826; 1000 Genomes Project 0.33526.
gnomAD v4.1: 280,784 of 1,294,100 alleles (22%); highest among the groups gnomAD compares: African/African-American, 56%; 24,194 homozygotes.

Submissions (17):

Labcorp Genetics (formerly Invitae), Labcorp
Classification: Benign for Pheochromocytoma/paraganglioma syndrome 5; Mitochondrial complex II deficiency, nuclear type 1. Last evaluated: 2026-02-04. Review status: criteria provided, single submitter. Criteria: Invitae Variant Classification Sherloc (09022015). Collection method: clinical testing. Allele origin: germline.

Myriad Genetics, Inc.
Classification: Benign for Pheochromocytoma/paraganglioma syndrome 5. Last evaluated: 2025-03-11. Review status: criteria provided, single submitter. Criteria: Myriad Autosomal Dominant, Autosomal Recessive and X-Linked Classification Criteria (2023). Collection method: clinical testing. Allele origin: unknown.
Comment: This variant is considered benign. This variant is a silent/synonymous amino acid change and it is not expected to impact splicing.

Hereditary Cancer Laboratory, Hospital Universitario 12 de Octubre
Classification: Benign for Hereditary cancer-predisposing syndrome. Last evaluated: 2025-01-08. Review status: criteria provided, single submitter. Criteria: ACMG Guidelines, 2015. Collection method: clinical testing. Allele origin: germline.
Comment: BA1+BP6+BP7

Blueprint Genetics
Classification: Benign. Last evaluated: 2024-11-26. Review status: criteria provided, single submitter. Criteria: ACMG Guidelines, 2015. Collection method: clinical testing. Allele origin: germline.

KCCC/NGS Laboratory, Kuwait Cancer Control Center
Classification: Benign for Pheochromocytoma/paraganglioma syndrome 5. Last evaluated: 2023-07-07. Review status: criteria provided, single submitter. Criteria: ACMG Guidelines, 2015. Collection method: clinical testing. Allele origin: germline. Affected: yes.

Mayo Clinic Laboratories, Mayo Clinic
Classification: Benign. Last evaluated: 2022-05-01. Review status: criteria provided, single submitter. Criteria: ACMG Guidelines, 2015. Collection method: clinical testing. Allele origin: germline. Observed: 541 variant alleles.

ARUP Laboratories, Molecular Genetics and Genomics, ARUP Laboratories
Classification: Benign. Last evaluated: 2020-01-03. Review status: criteria provided, single submitter. Criteria: ARUP Molecular Germline Variant Investigation Process. Collection method: clinical testing. Allele origin: germline.

Illumina Laboratory Services, Illumina
Classification: Benign for Hereditary Paraganglioma-Pheochromocytoma Syndromes. Last evaluated: 2018-01-13. Review status: criteria provided, single submitter. Criteria: ICSL Variant Classification Criteria 13 December 2019. Collection method: clinical testing. Allele origin: germline.
Comment: This variant was observed in the ICSL laboratory as part of a predisposition screen in an ostensibly healthy population. It had not been previously curated by ICSL or reported in the Human Gene Mutation Database (HGMD: prior to June 1st, 2018), and was therefore a candidate for classification through an automated scoring system. Utilizing variant allele frequency, disease prevalence and penetrance estimates, and inheritance mode, an automated score was calculated to assess if this variant is too frequent to cause the disease. Based on the score and internal cut-off values, a variant classified as benign is not then subjected to further curation. The score for this variant resulted in a classification of benign for this disease.

Illumina Laboratory Services, Illumina
Classification: Benign for Mitochondrial complex II deficiency, nuclear type 1. Last evaluated: 2018-01-13. Review status: criteria provided, single submitter. Criteria: ICSL Variant Classification Criteria 13 December 2019. Collection method: clinical testing. Allele origin: germline.
Comment: the same text as in the submission from Illumina Laboratory Services, Illumina above.

Illumina Laboratory Services, Illumina
Classification: Benign for Leigh syndrome. Last evaluated: 2018-01-13. Review status: criteria provided, single submitter. Criteria: ICSL Variant Classification Criteria 13 December 2019. Collection method: clinical testing. Allele origin: germline.
Comment: the same text as in the submission from Illumina Laboratory Services, Illumina above.

GeneDx
Classification: Benign. Last evaluated: 2015-03-03. Review status: criteria provided, single submitter. Criteria: GeneDx Variant Classification Process June 2021. Collection method: clinical testing. Allele origin: germline. Affected: yes.

Ambry Genetics
Classification: Benign for Hereditary cancer-predisposing syndrome. Last evaluated: 2014-11-18. Review status: criteria provided, single submitter. Criteria: Ambry Variant Classification Scheme 2023. Collection method: clinical testing. Allele origin: germline.

Breakthrough Genomics
Classification: Benign. Review status: criteria provided, single submitter. Criteria: ACMG Guidelines, 2015. Collection method: not provided. Allele origin: germline. Inheritance: Autosomal recessive inheritance. Affected: yes.

PreventionGenetics, part of Exact Sciences
Classification: Benign for SDHA-related condition. Last evaluated: 2022-06-02. Review status: no assertion criteria provided. Collection method: clinical testing. Allele origin: germline. Not counted in ClinVar's aggregate classification.
Comment: This variant is classified as benign based on ACMG/AMP sequence variant interpretation guidelines (Richards et al. 2015 PMID: 25741868, with internal and published modifications).

Diagnostic Laboratory, Department of Genetics, University Medical Center Groningen
Classification: Benign. Review status: no assertion criteria provided. Collection method: clinical testing. Allele origin: germline. Affected: yes. Study: VKGL Data-share Consensus. Not counted in ClinVar's aggregate classification.

Genetic Services Laboratory, University of Chicago
Classification: Likely benign for AllHighlyPenetrant. Review status: no assertion criteria provided. Collection method: clinical testing. Allele origin: germline. Not counted in ClinVar's aggregate classification.
Comment: Likely benign based on allele frequency in 1000 Genomes Project or ESP global frequency and its presence in a patient with a rare or unrelated disease phenotype. NOT Sanger confirmed.

Joint Genome Diagnostic Labs from Nijmegen and Maastricht, Radboudumc and MUMC+
Classification: Benign. Review status: no assertion criteria provided. Collection method: clinical testing. Allele origin: germline. Affected: yes. Study: VKGL Data-share Consensus. Not counted in ClinVar's aggregate classification.

NM_004168.4(SDHA):c.1932G>A (p.Val644=)

Gene: SDHA (succinate dehydrogenase complex flavoprotein subunit A; plus strand). Cytogenetic location: 5p15.33.
Variant type: single nucleotide variant.
Coding change: c.1932G>A on transcript NM_004168.4 (MANE Select); coding-DNA position 1932, G replaced by A.
Protein change: p.Val644=; no amino-acid change (valine 644 retained).
Molecular consequence: synonymous variant.
Genome position (GRCh38, 1-based): chr5:256,357, G>A. VCF-style: chr5-256357-G-A. GRCh37 (hg19) VCF-style: chr5-256472-G-A.
Other names: p.Val644=; c.1788G>A, p.Val596= (NM_001294332.2); c.1689G>A, p.Val563= (NM_001330758.2).
Identifiers: ClinVar variation 130278 (VCV000130278.43), dbSNP rs6961, ClinGen allele CA155150.